The following is an entry in ClinVar:

NM_001384140.1(PCDH15):c.4127C>T (p.Ala1376Val)

Gene: PCDH15 (protocadherin related 15; minus strand). Cytogenetic location: 10q21.1.
Variant type: single nucleotide variant.
Coding change: c.4127C>T on transcript NM_001384140.1 (MANE Select); coding-DNA position 4127, C replaced by T.
Protein change: p.Ala1376Val; replaces alanine 1376 with valine.
Molecular consequence: missense variant.
Genome position (GRCh38, 1-based): chr10:53,831,390, G>A on the plus strand (C>T on the coding strand, the complement: PCDH15 is on the minus strand). VCF-style: chr10-53831390-G-A. GRCh37 (hg19) VCF-style: chr10-55591150-G-A.
Other names: c.4127C>T, p.Ala1376Val (NM_001142772.2, NM_001354420.2, NM_001354429.2 and 4 more transcripts); c.4061C>T, p.Ala1354Val (NM_001142773.2, NM_001354404.2, NM_001142768.2); c.4148C>T, p.Ala1383Val (NM_001354411.2); c.4142C>T, p.Ala1381Val (NM_001142763.2, NM_001142771.2); c.3914C>T, p.Ala1305Val (NM_001142765.2); c.4016C>T, p.Ala1339Val (NM_001142767.2); c.4163C>T, p.Ala1388Val (NM_001142769.4); short protein forms A1388V, A1376V, A1305V, A1383V, A1339V, A1354V, A1381V.
Identifiers: ClinVar variation 972397 (VCV000972397.10), dbSNP rs752371584, ClinGen allele CA5505464.
Genomic context (GRCh38, chr10:53,831,390, plus strand): 5'-AAAACCACCAAGATGGCAGGAATGCAGCAGAGGATGATGATGAAGGCCAGAGCCAACAAG[G>A]CCCCTTCTGTGTATCCTAGACTTTCTCCTCTCTTTTTAATGCTGGTCACTGCCTCTGGAG-3'
Protein context (NP_001371069.1, residues 1366-1386): RGESLGYTEG[Ala1376Val]LLALAFIIIL

ClinVar aggregate classification (germline): Uncertain significance. Review status: criteria provided, multiple submitters, no conflicts (2 of 4 stars). 6 submissions from 6 submitters: Uncertain significance (5). 1 of the submissions does not count toward it. Last evaluated 2026-07-21.

Conditions:
Inborn genetic diseases. Identifiers: MedGen C0950123, MeSH D030342.
PCDH15-related disorder. Also called: PCDH15-related disorders; PCDH15-related condition.
Usher syndrome type 1F (USH1F). Also called: USHER SYNDROME, TYPE IF. Identifiers: Orphanet 231169, Orphanet 886, MedGen C1865885, MONDO:0011186, OMIM 602083.

Allele frequency attached by ClinVar (database versions not stated): TOPMed 0.00003; ExAC 0.00004.

Submissions (6):

PreventionGenetics, part of Exact Sciences
Classification: Uncertain significance for PCDH15-related condition. Last evaluated: 2026-07-21. Review status: criteria provided, single submitter. Criteria: ACMG Guidelines, 2015. Collection method: clinical testing. Allele origin: germline.
Comment: The PCDH15 c.4127C>T variant is predicted to result in the amino acid substitution p.Ala1376Val. To our knowledge, this variant has not been reported in the literature. A variant impacting the same amino acid position (c.4127C>A, p.Ala1376Asp) has been reported in the compound heterozygous state in an individual with hearing loss (Table S2, Zazo Seco et al. 2017. PubMed ID: 28000701). This variant is reported in 0.027% of alleles in individuals of East Asian descent in gnomAD. At this time, the clinical significance of this variant is uncertain due to the absence of conclusive functional and genetic evidence.

GeneDx
Classification: Uncertain significance. Last evaluated: 2026-02-11. Review status: criteria provided, single submitter. Criteria: GeneDx Variant Classification Process June 2021. Collection method: clinical testing. Allele origin: germline.
Comment: In silico analysis supports that this missense variant has a deleterious effect on protein structure/function; Has not been previously published as pathogenic or benign to our knowledge

Blueprint Genetics
Classification: Uncertain significance. Last evaluated: 2024-09-03. Review status: criteria provided, single submitter. Criteria: ACMG Guidelines, 2015. Collection method: clinical testing. Allele origin: germline.

Ambry Genetics
Classification: Uncertain significance for Inborn genetic diseases. Last evaluated: 2024-01-09. Review status: criteria provided, single submitter. Criteria: Ambry Variant Classification Scheme 2023. Collection method: clinical testing. Allele origin: germline.

Labcorp Genetics (formerly Invitae), Labcorp
Classification: Uncertain significance. Last evaluated: 2022-10-04. Review status: criteria provided, single submitter. Criteria: Invitae Variant Classification Sherloc (09022015). Collection method: clinical testing. Allele origin: germline.
Comment: This sequence change replaces alanine, which is neutral and non-polar, with valine, which is neutral and non-polar, at codon 1376 of the PCDH15 protein (p.Ala1376Val). This variant is present in population databases (rs752371584, gnomAD 0.02%). This variant has not been reported in the literature in individuals affected with PCDH15-related conditions. ClinVar contains an entry for this variant (Variation ID: 972397). Advanced modeling of protein sequence and biophysical properties (such as structural, functional, and spatial information, amino acid conservation, physicochemical variation, residue mobility, and thermodynamic stability) performed at Invitae indicates that this missense variant is not expected to disrupt PCDH15 protein function. In summary, the available evidence is currently insufficient to determine the role of this variant in disease. Therefore, it has been classified as a Variant of Uncertain Significance.

Natera, Inc.
Classification: Uncertain significance for Usher syndrome type 1F. Last evaluated: 2020-02-03. Review status: no assertion criteria provided. Collection method: clinical testing. Allele origin: germline. Not counted in ClinVar's aggregate classification.